The following is an entry in ClinVar:

ClinVar aggregate classification (germline): Benign. Review status: criteria provided, multiple submitters, no conflicts (2 of 4 stars). 2 submissions from 2 submitters: Benign (2). Last evaluated 2018-06-14.

Allele frequency attached by ClinVar (database versions not stated): gnomAD exomes 0.08076; 1000 Genomes Project 0.12979; gnomAD 0.13354 and 0.13882; 1000 Genomes Project 30x 0.13492; TOPMed 0.14223.
gnomAD v4.1: 130,619 of 1,512,170 alleles (8.6%); highest among the groups gnomAD compares: African/African-American, 29%; 7,550 homozygotes.

Submissions (2):

GeneDx
Classification: Benign. Last evaluated: 2018-06-14. Review status: criteria provided, single submitter. Criteria: GeneDx Variant Classification (06012015). Collection method: clinical testing. Allele origin: germline. Affected: yes.
Comment: This variant is considered likely benign or benign based on one or more of the following criteria: it is a conservative change, it occurs at a poorly conserved position in the protein, it is predicted to be benign by multiple in silico algorithms, and/or has population frequency not consistent with disease.

Breakthrough Genomics
Classification: Benign. Review status: criteria provided, single submitter. Criteria: ACMG Guidelines, 2015. Collection method: not provided. Allele origin: germline. Inheritance: Autosomal recessive inheritance. Affected: yes.

NM_000257.4(MYH7):c.2680-95C>T

Gene: MYH7 (myosin heavy chain 7; minus strand). Cytogenetic location: 14q11.2.
Variant type: single nucleotide variant.
Coding change: c.2680-95C>T on transcript NM_000257.4 (MANE Select); 95 bases into the intron before coding-DNA position 2680, C replaced by T.
Molecular consequence: intron variant.
Genome position (GRCh38, 1-based): chr14:23,424,244, G>A on the plus strand (C>T on the coding strand, the complement: MYH7 is on the minus strand). VCF-style: chr14-23424244-G-A. GRCh37 (hg19) VCF-style: chr14-23893453-G-A.
Identifiers: ClinVar variation 671925 (VCV000671925.2), dbSNP rs45457293, ClinGen allele CA257819080.